The following is an entry in ClinVar:

ClinVar aggregate classification (germline): Uncertain significance. Review status: criteria provided, multiple submitters, no conflicts (2 of 4 stars). 3 submissions from 3 submitters: Uncertain significance (3). Last evaluated 2025-11-18.

Conditions:
Nephronophthisis. Also called: Juvenile Nephronophthisis. Identifiers: Orphanet 655, MedGen C0687120, MONDO:0019005, HP:0000090.
Infantile nephronophthisis (NPHP2). Also called: Nephronophthisis 2; Nephronophthisis 2, infantile. Identifiers: MedGen C1865872, MONDO:0011190, OMIM 602088, Orphanet 655, Orphanet 93591.
INVS-related disorder. Also called: INVS-related condition.

Allele frequency attached by ClinVar (database versions not stated): gnomAD below 0.00001 and 0.00001; TOPMed 0.00002; ExAC 0.00003; gnomAD exomes 0.00003 and 0.00004.
gnomAD v4.1: 42 of 1,613,856 alleles (0.0026%); highest among the groups gnomAD compares: South Asian, 0.034%; 1 homozygote.

Submissions (3):

PreventionGenetics, part of Exact Sciences
Classification: Uncertain significance for INVS-related condition. Last evaluated: 2025-11-18. Review status: criteria provided, single submitter. Criteria: ACMG Guidelines, 2015. Collection method: clinical testing. Allele origin: germline.
Comment: The INVS c.2002G>A variant is predicted to result in the amino acid substitution p.Gly668Arg. To our knowledge, this variant has not been reported in the literature. This variant is reported in 0.023% of alleles in individuals of South Asian descent in gnomAD. At this time, the clinical significance of this variant is uncertain due to the absence of conclusive functional and genetic evidence.

Labcorp Genetics (formerly Invitae), Labcorp
Classification: Uncertain significance for Nephronophthisis. Last evaluated: 2022-07-19. Review status: criteria provided, single submitter. Criteria: Invitae Variant Classification Sherloc (09022015). Collection method: clinical testing. Allele origin: germline.
Comment: This sequence change replaces glycine, which is neutral and non-polar, with arginine, which is basic and polar, at codon 668 of the INVS protein (p.Gly668Arg). This variant is present in population databases (rs764384987, gnomAD 0.02%). This variant has not been reported in the literature in individuals affected with INVS-related conditions. ClinVar contains an entry for this variant (Variation ID: 1000241). Algorithms developed to predict the effect of missense changes on protein structure and function output the following: SIFT: "Tolerated"; PolyPhen-2: "Benign"; Align-GVGD: "Class C0". The arginine amino acid residue is found in multiple mammalian species, which suggests that this missense change does not adversely affect protein function. In summary, the available evidence is currently insufficient to determine the role of this variant in disease. Therefore, it has been classified as a Variant of Uncertain Significance.

Revvity Omics, Revvity
Classification: Uncertain significance for Infantile nephronophthisis. Last evaluated: 2019-11-23. Review status: criteria provided, single submitter. Criteria: ACMG Guidelines, 2015. Collection method: clinical testing. Allele origin: germline.

NM_014425.5(INVS):c.2002G>A (p.Gly668Arg)

Gene: INVS (inversin; plus strand). Cytogenetic location: 9q31.1.
Variant type: single nucleotide variant.
Coding change: c.2002G>A on transcript NM_014425.5 (MANE Select); coding-DNA position 2002, G replaced by A.
Protein change: p.Gly668Arg; replaces glycine 668 with arginine.
Molecular consequence: missense variant. On other transcripts: non-coding transcript variant (1).
Genome position (GRCh38, 1-based): chr9:100,284,537, G>A. VCF-style: chr9-100284537-G-A. GRCh37 (hg19) VCF-style: chr9-103046819-G-A.
Other names: c.1714G>A, p.Gly572Arg (NM_001318381.2); c.1024G>A, p.Gly342Arg (NM_001318382.2); c.2002G>A (NM_014425.4, NM_014425.3); short protein forms G342R, G572R, G668R.
Identifiers: ClinVar variation 1000241 (VCV001000241.7), dbSNP rs764384987, ClinGen allele CA5158528.
Genomic context (GRCh38, chr9:100,284,537, plus strand): 5'-AACGTGGCCCAAGGCCCTGAGCCAAGAGACAGCAGAGGATCTCCAGGAGGGTCTCTAGGC[G>A]GAGCCCTCCAGAAGGAGCAGCATGTTTCCTCAGATTTGCAGGGAACAAACTCCAGAAGGC-3'
Protein context (NP_055240.2, residues 658-678): SRGSPGGSLG[Gly668Arg]ALQKEQHVSS